The following is an entry in ClinVar:

NM_001369.3(DNAH5):c.6337_6338insAGGTCTTCCGAATG (p.Ile2113fs)

Gene: DNAH5 (dynein axonemal heavy chain 5; minus strand). Cytogenetic location: 5p15.2.
Variant type: Insertion.
Coding change: c.6337_6338insAGGTCTTCCGAATG on transcript NM_001369.3 (MANE Select); coding-DNA positions 6337 to 6338, AGGTCTTCCGAATG inserted.
Protein change: p.Ile2113fs; shifts the reading frame from isoleucine 2113.
Molecular consequence: frameshift variant.
Genome position: GRCh38 VCF-style: chr5-13829616-A-ACATTCGGAAGACCT. GRCh37 (hg19) VCF-style: chr5-13829725-A-ACATTCGGAAGACCT.
Other names: short protein forms I2113fs.
Identifiers: ClinVar variation 5010709 (VCV005010709.1).
Genomic context (GRCh38, chr5:13,829,616, plus strand): 5'-TTCCTGGCCAAAACAACGTTGTCAATGAAGCCACAACTAGCCAACTTCACCCTTATGATA[A>ACATTCGGAAGACCT]TCTGACGGTCAGGCACCATCATGGCCACTGAGCGGAAATTAATCTTCAAGTTTTCAGGGA-3'

ClinVar aggregate classification (germline): Pathogenic (1 of 4 stars; one submission).

Conditions:
Primary ciliary dyskinesia 3. Identifiers: Orphanet 244, MedGen C1837618, MONDO:0012085, OMIM 608644.

Submission:

Myriad Genetics, Inc.
Classification: Pathogenic for Primary ciliary dyskinesia 3. Last evaluated: 2024-05-14. Review status: criteria provided, single submitter. Criteria: Myriad Autosomal Dominant, Autosomal Recessive and X-Linked Classification Criteria (2023). Collection method: clinical testing. Allele origin: unknown.
Comment: NM_001369.2(DNAH5):c.6337_6338ins14(I2113Kfs*8) is expected to be pathogenic in the context of primary ciliary dyskinesia, DNAH5-related. This variant is predicted to lead to an abnormal or absent protein product due to the creation of a premature termination codon in DNAH5, a gene where loss-of-function variants are known to be pathogenic. Please note: this variant was assessed in the context of healthy population screening.